The following is an entry in ClinVar:

NM_018116.4(MSTO1):c.1190G>A (p.Trp397Ter)

Gene: MSTO1 (misato mitochondrial distribution and morphology regulator 1; plus strand). Cytogenetic location: 1q22.
Variant type: single nucleotide variant.
Coding change: c.1190G>A on transcript NM_018116.4 (MANE Select); coding-DNA position 1190, G replaced by A.
Protein change: p.Trp397Ter; replaces tryptophan 397 with a stop codon.
Molecular consequence: nonsense. On other transcripts: non-coding transcript variant (6).
Genome position (GRCh38, 1-based): chr1:155,613,140, G>A. VCF-style: chr1-155613140-G-A. GRCh37 (hg19) VCF-style: chr1-155582931-G-A.
Other names: c.1190G>A, p.Trp397Ter (NM_001256532.1, NM_001256533.1, NM_001350772.1 and 3 more transcripts); c.1025G>A, p.Trp342Ter (NM_001350776.1); c.659G>A, p.Trp220Ter (NM_001350777.1, NM_001350778.1, NM_001350779.1); c.656G>A, p.Trp219Ter (NM_001350780.1, NM_001350781.1, NM_001350782.1 and 3 more transcripts); c.647G>A, p.Trp216Ter (NM_001350784.1, NM_001350785.1, NM_001350787.1 and 1 more transcripts); short protein forms W216*, W219*, W220*, W342*, W397*.
Identifiers: ClinVar variation 3336212 (VCV003336212.1).

ClinVar aggregate classification (germline): Pathogenic (1 of 4 stars; one submission).

Conditions:
Mitochondrial myopathy-cerebellar ataxia-pigmentary retinopathy syndrome. Also called: MYOPATHY, MITOCHONDRIAL, AND ATAXIA. Identifiers: Orphanet 502423, MedGen C4540096, MONDO:0044714, OMIM 617675.

gnomAD v4.1: 2 of 1,614,028 alleles (0.00012%); highest among the groups gnomAD compares: Non-Finnish European, 0.00017%; no homozygotes.

Submission:

Women's Health and Genetics/Laboratory Corporation of America, LabCorp
Classification: Pathogenic for Mitochondrial myopathy-cerebellar ataxia-pigmentary retinopathy syndrome. Last evaluated: 2024-05-02. Review status: criteria provided, single submitter. Criteria: LabCorp Variant Classification Summary - May 2015. Collection method: clinical testing. Allele origin: germline.
Comment: Variant summary: MSTO1 c.1190G>A (p.Trp397X) results in a premature termination codon, predicted to cause a truncation of the encoded protein or absence of the protein due to nonsense mediated decay, which are commonly known mechanisms for disease. The variant was absent in 251312 control chromosomes. To our knowledge, no occurrence of c.1190G>A in individuals affected with Mitochondrial Myopathy-Cerebellar Ataxia-Pigmentary Retinopathy Syndrome and no experimental evidence demonstrating its impact on protein function have been reported. No submitters have cited clinical-significance assessments for this variant to ClinVar. Based on the evidence outlined above, the variant was classified as pathogenic.